The following is an entry in ClinVar:

ClinVar aggregate classification (germline): Uncertain significance (1 of 4 stars; one submission).

Submission:

Labcorp Genetics (formerly Invitae), Labcorp
Classification: Uncertain significance. Last evaluated: 2024-02-06. Review status: criteria provided, single submitter. Criteria: Invitae Variant Classification Sherloc (09022015). Collection method: clinical testing. Allele origin: germline.
Comment: This sequence change replaces methionine, which is neutral and non-polar, with isoleucine, which is neutral and non-polar, at codon 494 of the RNF31 protein (p.Met494Ile). This variant is not present in population databases (gnomAD no frequency). This variant has not been reported in the literature in individuals affected with RNF31-related conditions. An algorithm developed to predict the effect of missense changes on protein structure and function (PolyPhen-2) suggests that this variant is likely to be tolerated. In summary, the available evidence is currently insufficient to determine the role of this variant in disease. Therefore, it has been classified as a Variant of Uncertain Significance.

NM_017999.5(RNF31):c.1482G>C (p.Met494Ile)

Gene: RNF31 (ring finger protein 31; plus strand). Cytogenetic location: 14q12.
Variant type: single nucleotide variant.
Coding change: c.1482G>C on transcript NM_017999.5 (MANE Select); coding-DNA position 1482, G replaced by C.
Protein change: p.Met494Ile; replaces methionine 494 with isoleucine.
Molecular consequence: missense variant.
Genome position (GRCh38, 1-based): chr14:24,150,882, G>C. VCF-style: chr14-24150882-G-C. GRCh37 (hg19) VCF-style: chr14-24620091-G-C.
Other names: c.1029G>C, p.Met343Ile (NM_001310332.2); short protein forms M494I, M343I.
Identifiers: ClinVar variation 3639344 (VCV003639344.2).